The following is an entry in ClinVar:

NM_019076.5(UGT1A8):c.856-53268G>C

Genes: UGT1A (UDP glucuronosyltransferase family 1 member A complex locus; plus strand), UGT1A10 (UDP glucuronosyltransferase family 1 member A10; plus strand), UGT1A5 (UDP glucuronosyltransferase family 1 member A5; plus strand), UGT1A6 (UDP glucuronosyltransferase family 1 member A6; plus strand), UGT1A7 (UDP glucuronosyltransferase family 1 member A7; plus strand) and 2 more. Cytogenetic location: 2q37.1.
Variant type: single nucleotide variant.
Coding change: c.856-53268G>C on transcript NM_019076.5 (MANE Select); 53268 bases into the intron before coding-DNA position 856, G replaced by C.
Molecular consequence: intron variant. On other transcripts: missense variant (1).
Genome position (GRCh38, 1-based): chr2:233,713,766, G>C. VCF-style: chr2-233713766-G-C. GRCh37 (hg19) VCF-style: chr2-234622412-G-C.
Other names: c.775G>C, p.Gly259Arg (NM_019078.2); c.856-53268G>C (NM_019075.4); c.855+40977G>C (NM_021027.3); c.855+30974G>C (NM_019077.3); c.60+19901G>C (NM_205862.3); c.861+19901G>C (NM_001072.4); short protein forms G259R.
Identifiers: ClinVar variation 770346 (VCV000770346.5), dbSNP rs3892170, ClinGen allele CA2178778.

ClinVar aggregate classification (germline): Benign. Review status: criteria provided, multiple submitters, no conflicts (2 of 4 stars). 2 submissions from 2 submitters: Benign (2). Last evaluated 2021-02-26.

Allele frequency attached by ClinVar (database versions not stated): ESP Exome Variant Server 0.02545; gnomAD exomes 0.06987; gnomAD 0.09692 and 0.10173; TOPMed 0.10294; ExAC 0.11436; 1000 Genomes Project 30x 0.14069; 1000 Genomes Project 0.14417.
gnomAD v4.1: 144,162 of 1,587,116 alleles (9.1%); highest among the groups gnomAD compares: South Asian, 18%; 8,641 homozygotes.

Submissions (2):

GeneDx
Classification: Benign. Last evaluated: 2021-02-26. Review status: criteria provided, single submitter. Criteria: GeneDx Variant Classification Process June 2021. Collection method: clinical testing. Allele origin: germline. Affected: yes.
Comment: This variant is associated with the following publications: (PMID: 29710432)

Labcorp Genetics (formerly Invitae), Labcorp
Classification: Benign. Last evaluated: 2018-06-08. Review status: criteria provided, single submitter. Criteria: Invitae Variant Classification Sherloc (09022015). Collection method: clinical testing. Allele origin: germline.